The following is an entry in ClinVar:

NM_002661.5(PLCG2):c.1934+5G>A

Gene: PLCG2 (phospholipase C gamma 2; plus strand). Cytogenetic location: 16q23.3.
Variant type: single nucleotide variant.
Coding change: c.1934+5G>A on transcript NM_002661.5 (MANE Select); 5 bases into the intron after coding-DNA position 1934, G replaced by A.
Molecular consequence: intron variant.
Genome position (GRCh38, 1-based): chr16:81,910,725, G>A. VCF-style: chr16-81910725-G-A. GRCh37 (hg19) VCF-style: chr16-81944330-G-A.
Identifiers: ClinVar variation 852818 (VCV000852818.7), dbSNP rs1909585047, ClinGen allele CA916081856.
Genomic context (GRCh38, chr16:81,910,725, plus strand): 5'-TTCGAGCTGCGGCTCACGGACCCTGTGCCCAACCCCAACCCCCACGAGTCCAAGCCGTAC[G>A]TGTCTGAGGGTGGAGCAGGAGGCAGGCGGTGGTCGGGTTAGCTCCACCAGGCAGAGAAGC-3'

ClinVar aggregate classification (germline): Uncertain significance (1 of 4 stars; one submission).

Conditions:
Familial cold autoinflammatory syndrome 3 (FCAS3). Also called: FAMILIAL ATYPICAL COLD URTICARIA; ANTIBODY DEFICIENCY AND IMMUNE DYSREGULATION, PLCG2-ASSOCIATED. Identifiers: Orphanet 300359, MedGen C3280914, MONDO:0013766, OMIM 614468.

Allele frequency attached by ClinVar (database versions not stated): gnomAD exomes below 0.00001.
gnomAD v4.1: 4 of 1,605,520 alleles (0.00025%); highest among the groups gnomAD compares: East Asian, 0.0022%; no homozygotes.

Submission:

Labcorp Genetics (formerly Invitae), Labcorp
Classification: Uncertain significance for Familial cold autoinflammatory syndrome 3. Last evaluated: 2019-03-13. Review status: criteria provided, single submitter. Criteria: Invitae Variant Classification Sherloc (09022015). Collection method: clinical testing. Allele origin: germline.
Comment: In summary, the available evidence is currently insufficient to determine the role of this variant in disease. Therefore, it has been classified as a Variant of Uncertain Significance. Nucleotide substitutions within the consensus splice site are a relatively common cause of aberrant splicing (PMID: 17576681, 9536098). Algorithms developed to predict the effect of sequence changes on RNA splicing suggest that this variant may disrupt the consensus splice site, but this prediction has not been confirmed by published transcriptional studies. This variant has not been reported in the literature in individuals with PLCG2-related conditions. This variant is not present in population databases (ExAC no frequency). This sequence change falls in intron 18 of the PLCG2 gene. It does not directly change the encoded amino acid sequence of the PLCG2 protein, but it affects a nucleotide within the consensus splice site of the intron.

Literature cited by the submitters: PubMed 17576681; PubMed 9536098.